The following is an entry in ClinVar:

ClinVar aggregate classification (germline): Uncertain significance. Review status: criteria provided, single submitter (1 of 4 stars). 3 submissions from 3 submitters: Uncertain significance (1). 2 of the submissions do not count toward it. Last evaluated 2026-06-15.

Conditions:
SLC25A46-related disorder. Also called: SLC25A46-related condition.

Allele frequency attached by ClinVar (database versions not stated): 1000 Genomes Project 0.00040; TOPMed 0.00057; 1000 Genomes Project 30x 0.00031; gnomAD 0.00055.
gnomAD v4.1: 1,194 of 1,286,456 alleles (0.093%); highest among the groups gnomAD compares: Non-Finnish European, 0.11%; 1 homozygote.

Submissions (3):

PreventionGenetics, part of Exact Sciences
Classification: Uncertain significance for SLC25A46-related condition. Last evaluated: 2026-06-15. Review status: criteria provided, single submitter. Criteria: ACMG Guidelines, 2015. Collection method: clinical testing. Allele origin: germline.
Comment: The SLC25A46 c.10+2T>C variant is predicted to disrupt the GT donor site and interfere with normal splicing. Of note, this variant is also referred to as c.-871T>C (pre-coding) in the alternative isoform, NM_138773. To our knowledge, this variant has not been reported in the literature. This variant is reported in 0.078% of alleles in individuals of European (non-Finnish) descent in gnomAD. At this time, the clinical significance of this variant is uncertain due to the absence of conclusive functional and genetic evidence.

Clinical Genetics DNA and cytogenetics Diagnostics Lab, Erasmus MC, Erasmus Medical Center
Classification: Uncertain significance. Review status: no assertion criteria provided. Collection method: clinical testing. Allele origin: germline. Affected: yes. Study: VKGL Data-share Consensus. Not counted in ClinVar's aggregate classification.

Clinical Genetics, Academic Medical Center
Classification: Uncertain significance. Review status: no assertion criteria provided. Collection method: clinical testing. Allele origin: germline. Affected: yes. Study: VKGL Data-share Consensus. Not counted in ClinVar's aggregate classification.

NM_001303250.3(SLC25A46):c.10+2T>C

Genes: SLC25A46 (solute carrier family 25 member 46; plus strand), TMEM232 (transmembrane protein 232; minus strand). Cytogenetic location: 5q22.1.
Variant type: single nucleotide variant.
Coding change: c.10+2T>C on transcript NM_001303250.3; the canonical splice donor site of the intron after coding-DNA position 10, T replaced by C.
Molecular consequence: splice donor variant.
Genome position (GRCh38, 1-based): chr5:110,738,249, T>C. VCF-style: chr5-110738249-T-C. GRCh37 (hg19) VCF-style: chr5-110073950-T-C.
Identifiers: ClinVar variation 1284497 (VCV001284497.6), dbSNP rs147877745, ClinGen allele CA125342397.